The following is an entry in ClinVar:

NM_007259.5(VPS45):c.690G>T (p.Trp230Cys)

Gene: VPS45 (vacuolar protein sorting 45 homolog; plus strand). Cytogenetic location: 1q21.2.
Variant type: single nucleotide variant.
Coding change: c.690G>T on transcript NM_007259.5 (MANE Select); coding-DNA position 690, G replaced by T.
Protein change: p.Trp230Cys; replaces tryptophan 230 with cysteine.
Molecular consequence: missense variant. On other transcripts: non-coding transcript variant (1).
Genome position (GRCh38, 1-based): chr1:150,081,344, G>T. VCF-style: chr1-150081344-G-T. GRCh37 (hg19) VCF-style: chr1-150053426-G-T.
Other names: c.375G>T, p.Trp125Cys (NM_001279353.2); c.582G>T, p.Trp194Cys (NM_001279354.2); short protein forms W125C, W194C, W230C.
Identifiers: ClinVar variation 1437134 (VCV001437134.8), dbSNP rs1655694540, ClinGen allele CA342250393.

ClinVar aggregate classification (germline): Uncertain significance (1 of 4 stars; one submission).

Conditions:
Congenital neutropenia-myelofibrosis-nephromegaly syndrome. Also called: Severe congenital neutropenia 5, autosomal recessive. Identifiers: Orphanet 369852, MedGen C3809031, MONDO:0014118, OMIM 615285.

Allele frequency attached by ClinVar (database versions not stated): TOPMed below 0.00001.

Submission:

Labcorp Genetics (formerly Invitae), Labcorp
Classification: Uncertain significance for Congenital neutropenia-myelofibrosis-nephromegaly syndrome. Last evaluated: 2022-06-13. Review status: criteria provided, single submitter. Criteria: Invitae Variant Classification Sherloc (09022015). Collection method: clinical testing. Allele origin: germline.
Comment: In summary, the available evidence is currently insufficient to determine the role of this variant in disease. Therefore, it has been classified as a Variant of Uncertain Significance. Algorithms developed to predict the effect of missense changes on protein structure and function (SIFT, PolyPhen-2, Align-GVGD) all suggest that this variant is likely to be disruptive. This sequence change replaces tryptophan, which is neutral and slightly polar, with cysteine, which is neutral and slightly polar, at codon 230 of the VPS45 protein (p.Trp230Cys). This variant is not present in population databases (gnomAD no frequency). This variant has not been reported in the literature in individuals affected with VPS45-related conditions.